The following is an entry in ClinVar:

ClinVar aggregate classification (germline): Likely benign. Review status: criteria provided, multiple submitters, no conflicts (2 of 4 stars). 3 submissions from 3 submitters: Likely benign (3). Last evaluated 2025-03-17.

Conditions:
Arrhythmogenic right ventricular dysplasia 9 (ARVD9). Also called: Arrhythmogenic Right Ventricular Dysplasia/Cardiomyopathy 9; ARRHYTHMOGENIC RIGHT VENTRICULAR DYSPLASIA, FAMILIAL, 9. Identifiers: MedGen C1836906, MONDO:0012180, OMIM 609040.
Arrhythmogenic right ventricular cardiomyopathy (ARVD). Also called: Arrhythmogenic cardiomyopathy; Arrhythmogenic Right Ventricular Cardiomyopathy (ARVC); Cardiomyopathy, ARVC; Arrhythmogenic right ventricular dysplasia. Identifiers: Orphanet 247, MedGen C0349788, MeSH D019571, MONDO:0016587. Disease mechanism: loss of function. Inheritance: Various modes of inheritance.

Allele frequency attached by ClinVar (database versions not stated): gnomAD exomes below 0.00001.
gnomAD v4.1: 3 of 1,612,234 alleles (0.00019%); highest among the groups gnomAD compares: Non-Finnish European, 0.00025%; no homozygotes.

Submissions (3):

Labcorp Genetics (formerly Invitae), Labcorp
Classification: Likely benign for Arrhythmogenic right ventricular dysplasia 9. Last evaluated: 2025-03-17. Review status: criteria provided, single submitter. Criteria: Invitae Variant Classification Sherloc (09022015). Collection method: clinical testing. Allele origin: germline.

All of Us Research Program, National Institutes of Health
Classification: Likely benign for Arrhythmogenic right ventricular cardiomyopathy. Last evaluated: 2024-02-05. Review status: criteria provided, single submitter. Criteria: ACMG Guidelines, 2015. Collection method: clinical testing. Allele origin: germline. Inheritance: Autosomal dominant inheritance. Observed: 1 variant allele, 1 heterozygote.
Comment: This study involves interpretation of variants in research participants for the purpose of population health screening. Participant phenotype was not available at the time of variant classification. Additional details can be found in publication PMID: 35346344, PMCID: PMC8962531

Women's Health and Genetics/Laboratory Corporation of America, LabCorp
Classification: Likely benign. Last evaluated: 2019-08-29. Review status: criteria provided, single submitter. Criteria: LabCorp Variant Classification Summary - May 2015. Collection method: clinical testing. Allele origin: germline.

NM_001005242.3(PKP2):c.567A>G (p.Leu189=)

Gene: PKP2 (plakophilin 2; minus strand). Cytogenetic location: 12p11.21.
Variant type: single nucleotide variant.
Coding change: c.567A>G on transcript NM_001005242.3 (MANE Select); coding-DNA position 567, A replaced by G.
Protein change: p.Leu189=; no amino-acid change (leucine 189 retained).
Molecular consequence: synonymous variant.
Genome position (GRCh38, 1-based): chr12:32,878,313, T>C on the plus strand (A>G on the coding strand, the complement: PKP2 is on the minus strand). VCF-style: chr12-32878313-T-C. GRCh37 (hg19) VCF-style: chr12-33031247-T-C.
Other names: c.567A>G, p.Leu189= (NM_004572.4).
Identifiers: ClinVar variation 496260 (VCV000496260.10), dbSNP rs1555148149, ClinGen allele CA479387689.